The following is an entry in ClinVar:

ClinVar aggregate classification (germline): Uncertain significance (1 of 4 stars; one submission).

Conditions:
Cardiomyopathy (CMYO). Also called: Cardiomyopathies. Identifiers: Orphanet 167848, MedGen C0878544, MONDO:0004994, HP:0001638. Inheritance: Various modes of inheritance.

Submission:

Color Diagnostics, LLC DBA Color Health
Classification: Uncertain significance for Cardiomyopathy. Last evaluated: 2025-09-08. Review status: criteria provided, single submitter. Criteria: ACMG Guidelines, 2015. Collection method: clinical testing. Allele origin: germline.
Comment: This missense variant replaces glutamine with lysine at codon 1498 of the RYR2 protein. Computational prediction suggests that this variant may not impact protein structure and function. To our knowledge, functional studies have not been reported for this variant. This variant has not been reported in individuals affected with RYR2-related disorders in the literature. This variant has not been identified in the general population by the Genome Aggregation Database (gnomAD). The available evidence is insufficient to determine the role of this variant in disease conclusively. Therefore, this variant is classified as a Variant of Uncertain Significance.

NM_001035.3(RYR2):c.4492C>A (p.Gln1498Lys)

Gene: RYR2 (ryanodine receptor 2; plus strand). Cytogenetic location: 1q43.
Variant type: single nucleotide variant.
Coding change: c.4492C>A on transcript NM_001035.3 (MANE Select); coding-DNA position 4492, C replaced by A.
Protein change: p.Gln1498Lys; replaces glutamine 1498 with lysine.
Molecular consequence: missense variant.
Genome position (GRCh38, 1-based): chr1:237,595,553, C>A. VCF-style: chr1-237595553-C-A. GRCh37 (hg19) VCF-style: chr1-237758853-C-A.
Other names: short protein forms Q1498K.
Identifiers: ClinVar variation 4756524 (VCV004756524.1).